The following is an entry in ClinVar:

NM_000168.6(GLI3):c.2602_2603dup (p.Pro869fs)

Gene: GLI3 (GLI family zinc finger 3; minus strand). Cytogenetic location: 7p14.1.
Variant type: Microsatellite.
Coding change: c.2602_2603dup on transcript NM_000168.6 (MANE Select); coding-DNA positions 2602 to 2603, 2 bases duplicated (TC; older notation c.2602_2603dupTC).
Protein change: p.Pro869fs; shifts the reading frame from proline 869.
Molecular consequence: frameshift variant.
Genome position (GRCh38, 1-based): chr7:41,966,470-41,966,471, GA duplicated on the plus strand (TC on the coding strand, the reverse complement: GLI3 is on the minus strand); duplicating any 2 consecutive bases within chr7:41,966,470-41,966,473 gives the same sequence; the c. name uses the placement nearest the transcript's 3' end. VCF-style (leftmost placement, unchanged base first): chr7-41966469-C-CGA. GRCh37 (hg19) VCF-style: chr7-42006067-C-CGA.
Other names: short protein forms P869fs.
Identifiers: ClinVar variation 4994786 (VCV004994786.1).

ClinVar aggregate classification (germline): Likely pathogenic (1 of 4 stars; one submission).

Conditions:
GLI3-related disorder. Also called: GLI3-related condition; GLI3-related disorders. Identifiers: MedGen CN239292.

Submission:

PreventionGenetics, part of Exact Sciences
Classification: Likely pathogenic for GLI3-related condition. Last evaluated: 2026-05-21. Review status: criteria provided, single submitter. Criteria: ACMG Guidelines, 2015. Collection method: clinical testing. Allele origin: germline.
Comment: The GLI3 c.2602_2603dupTC variant is predicted to result in a frameshift and premature protein termination (p.Pro869Argfs*22). To our knowledge, this variant has not been reported in the literature or in a large population database (gnomAD), indicating this variant is rare. This variant is located in the last exon. However, other truncating variants in the surrounding region of this variant have been reported in patients with Pallister-Hall syndrome (Johnston et al. 2005. PubMed ID: 15739154). Frameshift variants in GLI3 are expected to be pathogenic. This variant is interpreted as likely pathogenic.